The following is an entry in ClinVar:

NM_024027.5(COLEC11):c.528G>A (p.Thr176=)

Gene: COLEC11 (collectin subfamily member 11; plus strand). Cytogenetic location: 2p25.3.
Variant type: single nucleotide variant.
Coding change: c.528G>A on transcript NM_024027.5 (MANE Select); coding-DNA position 528, G replaced by A.
Protein change: p.Thr176=; no amino-acid change (threonine 176 retained).
Molecular consequence: synonymous variant. On other transcripts: non-coding transcript variant (1).
Genome position (GRCh38, 1-based): chr2:3,643,830, G>A. VCF-style: chr2-3643830-G-A. GRCh37 (hg19) VCF-style: chr2-3691420-G-A.
Other names: c.456G>A, p.Thr152= (NM_001255982.2, NM_001255983.2); c.384G>A, p.Thr128= (NM_001255984.2); c.570G>A, p.Thr190= (NM_001255985.1); c.450G>A, p.Thr150= (NM_001255986.1); c.378G>A, p.Thr126= (NM_001255987.1, NM_001255988.1); c.306G>A, p.Thr102= (NM_001255989.1); c.519G>A, p.Thr173= (NM_199235.3).
Identifiers: ClinVar variation 3055756 (VCV003055756.2), dbSNP rs773407043, ClinGen allele CA1517099.

ClinVar aggregate classification (germline): Likely benign (0 of 4 stars; one submission).

Conditions:
COLEC11-related disorder. Also called: COLEC11-related condition.

Allele frequency attached by ClinVar (database versions not stated): ExAC 0.00001.
gnomAD v4.1: 5 of 1,613,494 alleles (0.00031%); highest among the groups gnomAD compares: South Asian, 0.0022%; no homozygotes.

Submission:

PreventionGenetics, part of Exact Sciences
Classification: Likely benign for COLEC11-related condition. Last evaluated: 2019-04-30. Review status: no assertion criteria provided. Collection method: clinical testing. Allele origin: germline.
Comment: This variant is classified as likely benign based on ACMG/AMP sequence variant interpretation guidelines (Richards et al. 2015 PMID: 25741868, with internal and published modifications).